The following is an entry in ClinVar:

NM_000222.3(KIT):c.2065T>G (p.Phe689Val)

Gene: KIT (KIT proto-oncogene, receptor tyrosine kinase; plus strand). Cytogenetic location: 4q12.
Variant type: single nucleotide variant.
Coding change: c.2065T>G on transcript NM_000222.3 (MANE Select); coding-DNA position 2065, T replaced by G.
Protein change: p.Phe689Val; replaces phenylalanine 689 with valine.
Molecular consequence: missense variant.
Genome position (GRCh38, 1-based): chr4:54,729,409, T>G. VCF-style: chr4-54729409-T-G. GRCh37 (hg19) VCF-style: chr4-55595575-T-G.
Other names: c.2065T>G, p.Phe689Val (NM_001385285.1); c.2053T>G, p.Phe685Val (NM_001385286.1, NM_001093772.2); c.2056T>G, p.Phe686Val (NM_001385288.1, NM_001385292.1); c.2068T>G, p.Phe690Val (NM_001385290.1, NM_001385284.1); short protein forms F689V, F690V, F685V, F686V.
Identifiers: ClinVar variation 3656087 (VCV003656087.2).

ClinVar aggregate classification (germline): Uncertain significance (1 of 4 stars; one submission).

Conditions:
Gastrointestinal stromal tumor. Also called: Gastrointestinal stromal tumor, somatic; Gastrointestinal stroma tumor. Identifiers: Orphanet 44890, MedGen C0238198, MeSH D046152, MONDO:0011719, OMIM 606764, HP:0100723.

Submission:

Labcorp Genetics (formerly Invitae), Labcorp
Classification: Uncertain significance for Gastrointestinal stromal tumor. Last evaluated: 2024-06-10. Review status: criteria provided, single submitter. Criteria: Invitae Variant Classification Sherloc (09022015). Collection method: clinical testing. Allele origin: germline.
Comment: This sequence change replaces phenylalanine, which is neutral and non-polar, with valine, which is neutral and non-polar, at codon 689 of the KIT protein (p.Phe689Val). This variant is not present in population databases (gnomAD no frequency). This variant has not been reported in the literature in individuals affected with KIT-related conditions. An algorithm developed to predict the effect of missense changes on protein structure and function (PolyPhen-2) suggests that this variant is likely to be disruptive. In summary, the available evidence is currently insufficient to determine the role of this variant in disease. Therefore, it has been classified as a Variant of Uncertain Significance.